The following is an entry in ClinVar:

NM_001377265.1(MAPT):c.2446C>A (p.Gln816Lys)

Gene: MAPT (microtubule associated protein tau). Cytogenetic location: 17q21.31.
Variant type: single nucleotide variant.
Coding change: c.2446C>A on transcript NM_001377265.1 (MANE Select); coding-DNA position 2446, C replaced by A.
Protein change: p.Gln816Lys; replaces glutamine 816 with lysine.
Molecular consequence: missense variant. On other transcripts: non-coding transcript variant (1), intron variant (1).
Genome position (GRCh38, 1-based): chr17:46,024,115, C>A. VCF-style: chr17-46024115-C-A. GRCh37 (hg19) VCF-style: chr17-44101481-C-A.
Other names: c.2275C>A, p.Gln759Lys (NM_001123066.4); c.1183C>A, p.Gln395Lys (NM_001123067.4); c.1090C>A, p.Gln364Lys (NM_001203251.2); c.1177C>A, p.Gln393Lys (NM_001203252.2); c.2155C>A, p.Gln719Lys (NM_001377266.1); c.1003C>A, p.Gln335Lys (NM_001377268.1, NM_016841.5); c.1270C>A, p.Gln424Lys (NM_005910.6); c.1096C>A, p.Gln366Lys (NM_016834.5); and 2 more; short protein forms Q741K, Q364K, Q366K, Q395K, Q759K, Q335K, Q424K, Q393K.
Identifiers: ClinVar variation 98233 (VCV000098233.9), dbSNP rs63750191, ClinGen allele CA225498.

ClinVar aggregate classification (germline): Uncertain significance. Review status: criteria provided, single submitter (1 of 4 stars). 2 submissions from 2 submitters: Uncertain significance (1). 1 of the submissions does not count toward it. Last evaluated 2022-09-10.

Conditions:
Frontotemporal dementia (FTD1). Also called: Frontotemporal Dementia with Parkinsonism-17 (FTDP-17); FRONTOTEMPORAL DEMENTIA WITH PARKINSONISM; FRONTOTEMPORAL LOBE DEMENTIA; MULTIPLE SYSTEM TAUOPATHY WITH PRESENILE DEMENTIA; Dementia, frontotemporal, with or without parkinsonism; WILHELMSEN-LYNCH DISEASE. Identifiers: Orphanet 282, MedGen C0338451, MONDO:0017276, OMIM 600274, HP:0002145.

Allele frequency attached by ClinVar (database versions not stated): gnomAD 0.00002; ExAC 0.00003; gnomAD exomes 0.00003 and 0.00009; TOPMed 0.00003.
gnomAD v4.1: 134 of 1,614,030 alleles (0.0083%); highest among the groups gnomAD compares: Non-Finnish European, 0.011%; no homozygotes.

Submissions (2):

Labcorp Genetics (formerly Invitae), Labcorp
Classification: Uncertain significance for Frontotemporal dementia. Last evaluated: 2022-09-10. Review status: criteria provided, single submitter. Criteria: Invitae Variant Classification Sherloc (09022015). Collection method: clinical testing. Allele origin: germline.
Comment: In summary, the available evidence is currently insufficient to determine the role of this variant in disease. Therefore, it has been classified as a Variant of Uncertain Significance. Advanced modeling of protein sequence and biophysical properties (such as structural, functional, and spatial information, amino acid conservation, physicochemical variation, residue mobility, and thermodynamic stability) performed at Invitae indicates that this missense variant is expected to disrupt MAPT protein function. ClinVar contains an entry for this variant (Variation ID: 98233). This missense change has been observed in individual(s) with clinical features of MAPT-related conditions (PMID: 29091718). This variant is present in population databases (rs63750191, gnomAD 0.007%). This sequence change replaces glutamine, which is neutral and polar, with lysine, which is basic and polar, at codon 424 of the MAPT protein (p.Gln424Lys).

VIB  Department of Molecular Genetics, University of Antwerp
No classification provided. Review status: no classification provided. Collection method: not provided. Allele origin: not provided. Not counted in ClinVar's aggregate classification.

Literature cited by the submitters: PubMed 29091718 (cited by Labcorp Genetics (formerly Invitae), Labcorp).